The following is an entry in ClinVar:

NM_001134407.3(GRIN2A):c.476T>C (p.Leu159Pro)

Gene: GRIN2A (glutamate ionotropic receptor NMDA type subunit 2A; minus strand). Cytogenetic location: 16p13.2.
Variant type: single nucleotide variant.
Coding change: c.476T>C on transcript NM_001134407.3 (MANE Select); coding-DNA position 476, T replaced by C.
Protein change: p.Leu159Pro; replaces leucine 159 with proline.
Molecular consequence: missense variant.
Genome position (GRCh38, 1-based): chr16:9,938,490, A>G on the plus strand (T>C on the coding strand, the complement: GRIN2A is on the minus strand). VCF-style: chr16-9938490-A-G. GRCh37 (hg19) VCF-style: chr16-10032347-A-G.
Other names: c.476T>C, p.Leu159Pro (NM_000833.5, NM_001134408.2); short protein forms L159P.
Identifiers: ClinVar variation 546539 (VCV000546539.12), dbSNP rs1555455805, ClinGen allele CA394799390.

ClinVar aggregate classification (germline): Uncertain significance. Review status: criteria provided, multiple submitters, no conflicts (2 of 4 stars). 2 submissions from 2 submitters: Uncertain significance (2). Last evaluated 2025-07-02.

Conditions:
Landau-Kleffner syndrome (FESD). Also called: EPILEPSY, FOCAL, WITH SPEECH DISORDER AND WITH OR WITHOUT MENTAL RETARDATION; APHASIA, ACQUIRED, WITH EPILEPSY. Identifiers: Orphanet 1945, Orphanet 725, Orphanet 98818, MedGen C0282512, MONDO:0009509, OMIM 245570.

Submissions (2):

Labcorp Genetics (formerly Invitae), Labcorp
Classification: Uncertain significance for Landau-Kleffner syndrome. Last evaluated: 2025-07-02. Review status: criteria provided, single submitter. Criteria: Invitae Variant Classification Sherloc (09022015). Collection method: clinical testing. Allele origin: germline.
Comment: This sequence change replaces leucine, which is neutral and non-polar, with proline, which is neutral and non-polar, at codon 159 of the GRIN2A protein (p.Leu159Pro). This variant is not present in population databases (gnomAD no frequency). This variant has not been reported in the literature in individuals affected with GRIN2A-related conditions. ClinVar contains an entry for this variant (Variation ID: 546539). Invitae Evidence Modeling of protein sequence and biophysical properties (such as structural, functional, and spatial information, amino acid conservation, physicochemical variation, residue mobility, and thermodynamic stability) indicates that this missense variant is expected to disrupt GRIN2A protein function with a positive predictive value of 95%. In summary, the available evidence is currently insufficient to determine the role of this variant in disease. Therefore, it has been classified as a Variant of Uncertain Significance.

GeneDx
Classification: Uncertain significance. Last evaluated: 2018-05-25. Review status: criteria provided, single submitter. Criteria: GeneDx Variant Classification (06012015). Collection method: clinical testing. Allele origin: germline. Affected: yes.
Comment: A variant of uncertain significance has been identified in the GRIN2A gene. The L159P variant has not been published as a pathogenic variant, nor has it been reported as a benign variant to our knowledge. The L159P variant is not observed in large population cohorts (Lek et al., 2016). The L159P variant is a semi-conservative amino acid substitution, which may impact secondary protein structure as these residues differ in some properties. In-silico analyses, including protein predictors and evolutionary conservation, support a deleterious effect. Based on the currently available information, it is unclear whether this variant is a pathogenic variant or a rare benign variant.